The following is an entry in ClinVar:

ClinVar aggregate classification (germline): Uncertain significance (1 of 4 stars; one submission).

Conditions:
Inborn genetic diseases. Identifiers: MedGen C0950123, MeSH D030342.

Submission:

Ambry Genetics
Classification: Uncertain significance for Inborn genetic diseases. Last evaluated: 2021-08-26. Review status: criteria provided, single submitter. Criteria: Ambry Variant Classification Scheme 2023. Collection method: clinical testing. Allele origin: germline.
Comment: The p.K29E variant (also known as c.85A>G), located in coding exon 2 of the EPAS1 gene, results from an A to G substitution at nucleotide position 85. The lysine at codon 29 is replaced by glutamic acid, an amino acid with similar properties. This amino acid position is conserved. In addition, the in silico prediction for this alteration is inconclusive. Since supporting evidence is limited at this time, the clinical significance of this alteration remains unclear.

NM_001430.5(EPAS1):c.85A>G (p.Lys29Glu)

Gene: EPAS1 (endothelial PAS domain protein 1; plus strand). Cytogenetic location: 2p21.
Variant type: single nucleotide variant.
Coding change: c.85A>G on transcript NM_001430.5 (MANE Select); coding-DNA position 85, A replaced by G.
Protein change: p.Lys29Glu; replaces lysine 29 with glutamic acid.
Molecular consequence: missense variant.
Genome position (GRCh38, 1-based): chr2:46,346,931, A>G. VCF-style: chr2-46346931-A-G. GRCh37 (hg19) VCF-style: chr2-46574070-A-G.
Other names: short protein forms K29E.
Identifiers: ClinVar variation 1763993 (VCV001763993.2), dbSNP rs2546439837, ClinGen allele CA346696973.